The following is an entry in ClinVar:

NM_000170.3(GLDC):c.2678C>T (p.Pro893Leu)

Gene: GLDC (glycine decarboxylase; minus strand). Cytogenetic location: 9p24.1.
Variant type: single nucleotide variant.
Coding change: c.2678C>T on transcript NM_000170.3 (MANE Select); coding-DNA position 2678, C replaced by T.
Protein change: p.Pro893Leu; replaces proline 893 with leucine.
Molecular consequence: missense variant.
Genome position (GRCh38, 1-based): chr9:6,536,224, G>A on the plus strand (C>T on the coding strand, the complement: GLDC is on the minus strand). VCF-style: chr9-6536224-G-A. GRCh37 (hg19) VCF-style: chr9-6536224-G-A.
Other names: c.2678C>T (NM_000170.2); short protein forms P893L.
Identifiers: ClinVar variation 1066463 (VCV001066463.10), dbSNP rs367987650, ClinGen allele CA4980098.
Genomic context (GRCh38, chr9:6,536,224, plus strand): 5'-TTGTCCTCCGACTCAGTGGGCTCCACCATGAGGGTCCCTGCCACAGGCCAGGACATGGTA[G>A]GGGCGTGAAATCCTGCAAAGGGAGACAGGAGAACTTGCCTCACTGAAGGTCAGTGGCCTA-3'
Protein context (NP_000161.2, residues 883-903): KRLQDYGFHA[Pro893Leu]TMSWPVAGTL

ClinVar aggregate classification (germline): Pathogenic/Likely pathogenic. Review status: criteria provided, multiple submitters, no conflicts (2 of 4 stars). 3 submissions from 3 submitters: Pathogenic (2); Likely pathogenic (1). Last evaluated 2026-01-21.

Conditions:
Glycine encephalopathy. Also called: Non-ketotic hyperglycinemia; Nonketotic hyperglycinemia. Identifiers: Orphanet 407, MedGen C0751748, MONDO:0011612, HP:0008288.

Allele frequency attached by ClinVar (database versions not stated): gnomAD exomes below 0.00001 and 0.00001; ExAC 0.00002; gnomAD 0.00002; ESP Exome Variant Server 0.00008.
gnomAD v4.1: 6 of 1,613,700 alleles (0.00037%); highest among the groups gnomAD compares: African/African-American, 0.008%; no homozygotes.

Submissions (3):

Labcorp Genetics (formerly Invitae), Labcorp
Classification: Pathogenic for Glycine encephalopathy. Last evaluated: 2026-01-21. Review status: criteria provided, single submitter. Criteria: Invitae Variant Classification Sherloc (09022015). Collection method: clinical testing. Allele origin: germline.
Comment: This sequence change replaces proline, which is neutral and non-polar, with leucine, which is neutral and non-polar, at codon 893 of the GLDC protein (p.Pro893Leu). This variant is present in population databases (rs367987650, gnomAD 0.008%). This missense change has been observed in individual(s) with glycine encephalopathy (PMID: 26179960, 27362913). In at least one individual the data is consistent with being in trans (on the opposite chromosome) from a pathogenic variant. ClinVar contains an entry for this variant (Variation ID: 1066463). Invitae Evidence Modeling of protein sequence and biophysical properties (such as structural, functional, and spatial information, amino acid conservation, physicochemical variation, residue mobility, and thermodynamic stability) indicates that this missense variant is expected to disrupt GLDC protein function with a positive predictive value of 95%. Experimental studies have shown that this missense change affects GLDC function (PMID: 26179960). For these reasons, this variant has been classified as Pathogenic.

Natera, Inc.
Classification: Likely pathogenic for Non-ketotic hyperglycinemia. Last evaluated: 2024-03-21. Review status: criteria provided, single submitter. Criteria: Natera Variant Classification Schema (03/2026). Collection method: clinical testing. Allele origin: germline.
Comment: The c.2678C>T variant in GLDC is a missense variant predicted to cause substitution of proline to leucine at amino acid 893. This variant is rare in the general population with a frequency below the threshold expected for the associated phenotype(s). This variant has been observed in one or more individuals affected with the associated recessive disease, as either homozygous or compound heterozygous with a second variant (PMID: 26179960, 27362913). Functional studies show that this variant may disrupt protein function (PMID: 26179960). Computational prediction algorithms indicate this variant is likely to affect gene or protein function. Given the available evidence, this variant is classified as Likely Pathogenic.

Women's Health and Genetics/Laboratory Corporation of America, LabCorp
Classification: Pathogenic for Glycine encephalopathy. Last evaluated: 2023-08-29. Review status: criteria provided, single submitter. Criteria: LabCorp Variant Classification Summary - May 2015. Collection method: clinical testing. Allele origin: germline.
Comment: Variant summary: GLDC c.2678C>T (p.Pro893Leu) results in a non-conservative amino acid change in the encoded protein sequence. Five of five in-silico tools predict a damaging effect of the variant on protein function. The variant allele was found at a frequency of 4e-06 in 249808 control chromosomes (gnomAD). The available data on variant occurrences in the general population are insufficient to allow any conclusion about variant significance. c.2678C>T has been reported in the literature in multiple compound heterozygous individuals affected with Glycine Encephalopathy (Non-Ketotic Hyperglycinemia) (e.g., Swanson_2015, Coughlin_2017). These data indicate that the variant is very likely to be associated with disease. At least one publication reports experimental evidence evaluating an impact on protein function, finding that the variant results in no measurable residual enzymatic activity in vitro (e.g., Swanson_2015). The following publications have been ascertained in the context of this evaluation (PMID: 27362913, 26179960). One submitter has reported clinical-significance assessments for this variant to ClinVar after 2014 and has classified the variant as pathogenic/likely pathogenic. Based on the evidence outlined above, the variant was classified as pathogenic.

Literature cited by the submitters: PubMed 26179960 (cited by 3 submitters); PubMed 27362913 (cited by 3 submitters).